The following is an entry in ClinVar:

ClinVar aggregate classification (germline): Uncertain significance (1 of 4 stars; one submission).

Submission:

Labcorp Genetics (formerly Invitae), Labcorp
Classification: Uncertain significance. Last evaluated: 2022-08-31. Review status: criteria provided, single submitter. Criteria: Invitae Variant Classification Sherloc (09022015). Collection method: clinical testing. Allele origin: germline.
Comment: Algorithms developed to predict the effect of missense changes on protein structure and function are either unavailable or do not agree on the potential impact of this missense change (SIFT: "Deleterious"; PolyPhen-2: "Not Available"; Align-GVGD: "Class C0"). ClinVar contains an entry for this variant (Variation ID: 1387940). This variant has not been reported in the literature in individuals affected with PCLO-related conditions. This variant is not present in population databases (gnomAD no frequency). This sequence change replaces glutamic acid, which is acidic and polar, with aspartic acid, which is acidic and polar, at codon 4910 of the PCLO protein (p.Glu4910Asp). In summary, the available evidence is currently insufficient to determine the role of this variant in disease. Therefore, it has been classified as a Variant of Uncertain Significance.

NM_033026.6(PCLO):c.14730A>C (p.Glu4910Asp)

Gene: PCLO (piccolo presynaptic cytomatrix protein; minus strand). Cytogenetic location: 7q21.11.
Variant type: single nucleotide variant.
Coding change: c.14730A>C on transcript NM_033026.6 (MANE Select); coding-DNA position 14730, A replaced by C.
Protein change: p.Glu4910Asp; replaces glutamic acid 4910 with aspartic acid.
Molecular consequence: missense variant.
Genome position (GRCh38, 1-based): chr7:82,822,556, T>G on the plus strand (A>C on the coding strand, the complement: PCLO is on the minus strand). VCF-style: chr7-82822556-T-G. GRCh37 (hg19) VCF-style: chr7-82451872-T-G.
Other names: c.14730A>C, p.Glu4910Asp (NM_014510.3); short protein forms E4910D.
Identifiers: ClinVar variation 1387940 (VCV001387940.8), dbSNP rs2115646609, ClinGen allele CA368018886.